The following is an entry in ClinVar:

ClinVar aggregate classification (germline): Uncertain significance. Review status: criteria provided, multiple submitters, no conflicts (2 of 4 stars). 6 submissions from 6 submitters: Uncertain significance (6). Last evaluated 2025-12-08.

Conditions:
Hereditary cancer-predisposing syndrome. Also called: Neoplastic Syndromes, Hereditary; Tumor predisposition; Hereditary neoplastic syndrome; Hereditary Cancer Syndrome. Identifiers: Orphanet 140162, MedGen C0027672, MeSH D009386, MONDO:0015356.
Endometrial carcinoma. Also called: Endometrial carcinoma, somatic. Identifiers: MedGen C0476089, MONDO:0002447, OMIM 608089, HP:0012114.
Familial adenomatous polyposis 4 (FAP4). Also called: MSH3-related attenuated familial adenomatous polyposis. Identifiers: Orphanet 480536, MedGen C4310719, MONDO:0044300, OMIM 617100.
MSH3-related disorder. Also called: MSH3-related condition.

Allele frequency attached by ClinVar (database versions not stated): gnomAD exomes 0.00008 and 0.00001; ExAC 0.00002; gnomAD 0.00005; TOPMed 0.00005.
gnomAD v4.1: 132 of 1,612,900 alleles (0.0082%); highest among the groups gnomAD compares: Non-Finnish European, 0.01%; no homozygotes.

Submissions (6):

Labcorp Genetics (formerly Invitae), Labcorp
Classification: Uncertain significance. Last evaluated: 2025-12-08. Review status: criteria provided, single submitter. Criteria: Invitae Variant Classification Sherloc (09022015). Collection method: clinical testing. Allele origin: germline.
Comment: This sequence change replaces isoleucine, which is neutral and non-polar, with leucine, which is neutral and non-polar, at codon 726 of the MSH3 protein (p.Ile726Leu). This variant is present in population databases (rs752400305, gnomAD 0.004%). This variant has not been reported in the literature in individuals affected with MSH3-related conditions. ClinVar contains an entry for this variant (Variation ID: 641451). An algorithm developed to predict the effect of missense changes on protein structure and function (PolyPhen-2) suggests that this variant is likely to be tolerated. In summary, the available evidence is currently insufficient to determine the role of this variant in disease. Therefore, it has been classified as a Variant of Uncertain Significance.

PreventionGenetics, part of Exact Sciences
Classification: Uncertain significance for MSH3-related condition. Last evaluated: 2025-07-31. Review status: criteria provided, single submitter. Criteria: ACMG Guidelines, 2015. Collection method: clinical testing. Allele origin: germline.
Comment: The MSH3 c.2176A>C variant is predicted to result in the amino acid substitution p.Ile726Leu. This variant was reported in a large study of individuals with cutaneous melanoma and at least two other primary cancer types (Supplementary Data, Pritchard et al. 2018. PubMed ID: 29641532). This variant was also reported as a variant of uncertain significance in a large study of colorectal cancer susceptibility genes (Supplemental Table 2, DeRycke et al. 2017. PubMed ID: 28944238). This variant is reported in 0.0031% of alleles in individuals of European (Non-Finnish) descent in gnomAD and is interpreted as variant of uncertain significance in ClinVar (Variation ID: 641451). At this time, the clinical significance of this variant is uncertain due to the absence of conclusive functional and genetic evidence.

Ambry Genetics
Classification: Uncertain significance for Hereditary cancer-predisposing syndrome. Last evaluated: 2025-03-28. Review status: criteria provided, single submitter. Criteria: Ambry Variant Classification Scheme 2023. Collection method: clinical testing. Allele origin: germline.
Comment: The p.I726L variant (also known as c.2176A>C), located in coding exon 15 of the MSH3 gene, results from an A to C substitution at nucleotide position 2176. The isoleucine at codon 726 is replaced by leucine, an amino acid with highly similar properties. This alteration has been reported in an individual with colorectal cancer as well as non-cancer control individuals (DeRycke MS et al. Mol Genet Genomic Med, 2017 Sep;5:553-569; Pritchard AL et al. PLoS One, 2018 Apr;13:e0194098). This amino acid position is highly conserved in available vertebrate species. In addition, this alteration is predicted to be tolerated by in silico analysis. Since supporting evidence is limited at this time, the clinical significance of this alteration remains unclear.

Fulgent Genetics
Classification: Uncertain significance for Endometrial carcinoma; Familial adenomatous polyposis 4. Last evaluated: 2024-01-22. Review status: criteria provided, single submitter. Criteria: ACMG Guidelines, 2015. Collection method: clinical testing. Allele origin: germline.

Baylor Genetics
Classification: Uncertain significance for Endometrial carcinoma. Last evaluated: 2024-01-08. Review status: criteria provided, single submitter. Criteria: ACMG Guidelines, 2015. Collection method: clinical testing. Allele origin: unknown.

Sema4
Classification: Uncertain significance for Hereditary cancer-predisposing syndrome. Last evaluated: 2022-03-06. Review status: criteria provided, single submitter. Criteria: Sema4 Curation Guidelines. Collection method: curation. Allele origin: germline.
Comment: The MSH3 c.2176A>C (p.I726L) variant has been reported in heterozygosity in at least one individual with colorectal cancer (PMID: 28944238). It was observed in 4/128884 chromosomes of the Non-Finnish European subpopulation in the large and broad cohorts of the Genome Aggregation Database (PMID: 32461654). The variant has been reported in ClinVar (Variation ID 641451). Functional studies have not been performed, and in silico predictions of the variant's effect on protein function are inconclusive. The evidence is insufficient to meet ACMG/AMP criteria for classifying the variant as benign or pathogenic. Thus, the clinical significance of this variant is currently uncertain.

Literature cited by the submitters: PubMed 28944238 (cited by Ambry Genetics and Sema4); PubMed 29641532 (cited by Ambry Genetics).

NM_002439.5(MSH3):c.2176A>C (p.Ile726Leu)

Gene: MSH3 (mutS homolog 3; plus strand). Cytogenetic location: 5q14.1.
Variant type: single nucleotide variant.
Coding change: c.2176A>C on transcript NM_002439.5 (MANE Select); coding-DNA position 2176, A replaced by C.
Protein change: p.Ile726Leu; replaces isoleucine 726 with leucine.
Molecular consequence: missense variant.
Genome position (GRCh38, 1-based): chr5:80,768,926, A>C. VCF-style: chr5-80768926-A-C. GRCh37 (hg19) VCF-style: chr5-80064745-A-C.
Other names: short protein forms I726L.
Identifiers: ClinVar variation 641451 (VCV000641451.19), dbSNP rs752400305, ClinGen allele CA3328155.